The following is an entry in ClinVar:

ClinVar aggregate classification (germline): Uncertain significance (1 of 4 stars; one submission).

Conditions:
Hereditary cancer-predisposing syndrome. Also called: Tumor predisposition; Neoplastic Syndromes, Hereditary; Hereditary neoplastic syndrome; Hereditary Cancer Syndrome. Identifiers: Orphanet 140162, MedGen C0027672, MeSH D009386, MONDO:0015356.

Submission:

Ambry Genetics
Classification: Uncertain significance for Hereditary cancer-predisposing syndrome. Last evaluated: 2024-09-16. Review status: criteria provided, single submitter. Criteria: Ambry Variant Classification Scheme 2023. Collection method: clinical testing. Allele origin: germline.
Comment: The p.Y1678C variant (also known as c.5033A>G), located in coding exon 38 of the TSC2 gene, results from an A to G substitution at nucleotide position 5033. The tyrosine at codon 1678 is replaced by cysteine, an amino acid with highly dissimilar properties. This amino acid position is conserved. In addition, this alteration is predicted to be deleterious by in silico analysis. Based on the available evidence, the clinical significance of this variant remains unclear.

NM_000548.5(TSC2):c.5033A>G (p.Tyr1678Cys)

Gene: TSC2 (TSC complex subunit 2; plus strand). Cytogenetic location: 16p13.3.
Variant type: single nucleotide variant.
Coding change: c.5033A>G on transcript NM_000548.5 (MANE Select); coding-DNA position 5033, A replaced by G.
Protein change: p.Tyr1678Cys; replaces tyrosine 1678 with cysteine.
Molecular consequence: missense variant. On other transcripts: non-coding transcript variant (5).
Genome position (GRCh38, 1-based): chr16:2,087,906, A>G. VCF-style: chr16-2087906-A-G. GRCh37 (hg19) VCF-style: chr16-2137907-A-G.
Other names: c.4832A>G, p.Tyr1611Cys (NM_001077183.3); c.4964A>G, p.Tyr1655Cys (NM_001114382.3); c.4724A>G, p.Tyr1575Cys (NM_001318827.2); c.4688A>G, p.Tyr1563Cys (NM_001318829.2); c.4301A>G, p.Tyr1434Cys (NM_001318831.2); c.4865A>G, p.Tyr1622Cys (NM_001318832.2); c.4835A>G, p.Tyr1612Cys (NM_001363528.2); c.4901A>G, p.Tyr1634Cys (NM_001370404.1); and 26 more; short protein forms Y1077C, Y1187C, Y1411C, Y1434C, Y1458C, Y1563C, Y1575C, Y1606C.
Identifiers: ClinVar variation 3462628 (VCV003462628.1).